The following is an entry in ClinVar:

ClinVar aggregate classification (germline): Uncertain significance (1 of 4 stars; one submission).

Submission:

GeneDx
Classification: Uncertain significance. Last evaluated: 2026-09-02. Review status: criteria provided, single submitter. Criteria: GeneDx Variant Classification Process June 2021. Collection method: clinical testing. Allele origin: germline.
Comment: Canonical splice site variant with an unclear effect on protein function; Not observed at significant frequency in large population cohorts (gnomAD); Has not been previously published as pathogenic or benign to our knowledge

NM_000719.7(CACNA1C):c.6118-2A>G

Genes: CACNA1C-AS1 (CACNA1C antisense RNA 1; minus strand), CACNA1C (calcium voltage-gated channel subunit alpha1 C; plus strand). Cytogenetic location: 12p13.33.
Variant type: single nucleotide variant.
Coding change: c.6118-2A>G on transcript NM_000719.7 (MANE Select); the canonical splice acceptor site of the intron before coding-DNA position 6118, A replaced by G.
Molecular consequence: splice acceptor variant. On other transcripts: non-coding transcript variant (1).
Genome position (GRCh38, 1-based): chr12:2,690,898, A>G. VCF-style: chr12-2690898-A-G. GRCh37 (hg19) VCF-style: chr12-2800064-A-G.
Other names: c.6223-2A>G (NM_001167624.3, NM_001129830.3); c.6118-2A>G (NM_001167623.2, NM_001129840.2, NM_001129842.2 and 2 more transcripts); c.6298-2A>G (NM_001167625.2); c.6367-2A>G (NM_199460.4); c.6262-2A>G (NM_001129827.2); c.6178-2A>G (NM_001129832.2); c.6202-2A>G (NM_001129831.2); c.6175-2A>G (NM_001129833.2, NM_001129834.2, NM_001129835.2); and 6 more.
Identifiers: ClinVar variation 3776338 (VCV003776338.2).